The following is an entry in ClinVar:

NM_001008777.3(FBXO47):c.626A>G (p.Gln209Arg)

Gene: FBXO47 (F-box protein 47; minus strand). Cytogenetic location: 17q12.
Variant type: single nucleotide variant.
Coding change: c.626A>G on transcript NM_001008777.3 (MANE Select); coding-DNA position 626, A replaced by G.
Protein change: p.Gln209Arg; replaces glutamine 209 with arginine.
Molecular consequence: missense variant.
Genome position (GRCh38, 1-based): chr17:38,945,127, T>C on the plus strand (A>G on the coding strand, the complement: FBXO47 is on the minus strand). VCF-style: chr17-38945127-T-C. GRCh37 (hg19) VCF-style: chr17-37101380-T-C.
Other names: short protein forms Q209R.
Identifiers: ClinVar variation 1247558 (VCV001247558.3), dbSNP rs9906595, ClinGen allele CA8527230.

ClinVar aggregate classification (germline): Benign. Review status: criteria provided, multiple submitters, no conflicts (2 of 4 stars). 2 submissions from 2 submitters: Benign (2). Last evaluated 2019-04-19.

Allele frequency attached by ClinVar (database versions not stated): ESP Exome Variant Server 0.94203; gnomAD 0.94829 and 0.94946; TOPMed 0.94933; gnomAD exomes 0.94945; ExAC 0.95046; 1000 Genomes Project 30x 0.97142; 1000 Genomes Project 0.97204.
gnomAD v4.1: 1,501,279 of 1,610,356 alleles (93%); highest among the groups gnomAD compares: East Asian, 100%; 700,455 homozygotes.

Submissions (2):

GeneDx
Classification: Benign. Last evaluated: 2019-04-19. Review status: criteria provided, single submitter. Criteria: GeneDx Variant Classification Process June 2021. Collection method: clinical testing. Allele origin: germline. Affected: yes.
Comment: This variant is associated with the following publications: (PMID: 30679340)

Breakthrough Genomics
Classification: Benign. Review status: criteria provided, single submitter. Criteria: ACMG Guidelines, 2015. Collection method: not provided. Allele origin: germline. Inheritance: Unknown mechanism. Affected: yes.